The following is an entry in ClinVar:

NM_144672.4(OTOA):c.274G>A (p.Val92Met)

Gene: OTOA (otoancorin). Cytogenetic location: 16p12.2.
Variant type: single nucleotide variant.
Coding change: c.274G>A on transcript NM_144672.4 (MANE Select); coding-DNA position 274, G replaced by A.
Protein change: p.Val92Met; replaces valine 92 with methionine.
Molecular consequence: missense variant.
Genome position (GRCh38, 1-based): chr16:21,685,236, G>A. VCF-style: chr16-21685236-G-A. GRCh37 (hg19) VCF-style: chr16-21696557-G-A.
Other names: c.37G>A, p.Val13Met (NM_001161683.2); c.274G>A (NM_144672.3); short protein forms V92M, V13M.
Identifiers: ClinVar variation 1370223 (VCV001370223.6), dbSNP rs759414633, ClinGen allele CA395053153.

ClinVar aggregate classification (germline): Uncertain significance. Review status: criteria provided, multiple submitters, no conflicts (2 of 4 stars). 2 submissions from 2 submitters: Uncertain significance (2). Last evaluated 2024-08-01.

gnomAD v4.1: 7 of 1,611,542 alleles (0.00043%); highest among the groups gnomAD compares: Admixed American, 0.0017%; no homozygotes.

Submissions (2):

GeneDx
Classification: Uncertain significance. Last evaluated: 2024-08-01. Review status: criteria provided, single submitter. Criteria: GeneDx Variant Classification Process June 2021. Collection method: clinical testing. Allele origin: germline. Affected: yes.
Comment: Not observed at significant frequency in large population cohorts (gnomAD); In silico analysis indicates that this missense variant does not alter protein structure/function; Has not been previously published as pathogenic or benign to our knowledge

Labcorp Genetics (formerly Invitae), Labcorp
Classification: Uncertain significance. Last evaluated: 2021-08-28. Review status: criteria provided, single submitter. Criteria: Invitae Variant Classification Sherloc (09022015). Collection method: clinical testing. Allele origin: germline.
Comment: This sequence change replaces valine with methionine at codon 92 of the OTOA protein (p.Val92Met). The valine residue is weakly conserved and there is a small physicochemical difference between valine and methionine. This variant is not present in population databases (ExAC no frequency). This variant has not been reported in the literature in individuals affected with OTOA-related conditions. Algorithms developed to predict the effect of missense changes on protein structure and function output the following: SIFT: "Tolerated"; PolyPhen-2: "Benign"; Align-GVGD: "Class C0". The methionine amino acid residue is found in multiple mammalian species, which suggests that this missense change does not adversely affect protein function. In summary, the available evidence is currently insufficient to determine the role of this variant in disease. Therefore, it has been classified as a Variant of Uncertain Significance.